The following is an entry in ClinVar:

ClinVar aggregate classification (germline): Conflicting classifications of pathogenicity. Review status: criteria provided, conflicting classifications (1 of 4 stars). 9 submissions from 6 submitters: Uncertain significance (1); Likely benign (8). Last evaluated 2025-10-02.

Conditions:
Malignant hyperthermia, susceptibility to, 5 (MHS5). Also called: CACNA1S-Related Malignant Hyperthermia Susceptibility. Identifiers: Orphanet 423, MedGen C1866077, MONDO:0011163, OMIM 601887.
Hypokalemic periodic paralysis, type 1. Also called: Hypokalemic Periodic Paralysis Type 1 (AD); HypoPP. Identifiers: Orphanet 681, MedGen C3714580, MONDO:0042979, OMIM 170400.
Congenital myopathy 18. Also called: Myopathy, congenital, due to dihydropyridine receptor defect; DIHYDROPYRIDINE RECEPTOR CONGENITAL MYOPATHY; DHPR CONGENITAL MYOPATHY. Identifiers: MedGen C5830283, MONDO:0859514, OMIM 620246.
Thyrotoxic periodic paralysis, susceptibility to, 1 (TTPP1). Identifiers: Orphanet 79102, MedGen C2749982, MONDO:0008570, OMIM 188580.

Allele frequency attached by ClinVar (database versions not stated): gnomAD exomes 0.00001; gnomAD 0.00002; TOPMed 0.00003.
gnomAD v4.1: 21 of 1,613,630 alleles (0.0013%); highest among the groups gnomAD compares: Middle Eastern, 0.016%; no homozygotes.

Submissions (9):

Labcorp Genetics (formerly Invitae), Labcorp
Classification: Likely benign for Hypokalemic periodic paralysis, type 1; Malignant hyperthermia, susceptibility to, 5. Last evaluated: 2025-10-02. Review status: criteria provided, single submitter. Criteria: Invitae Variant Classification Sherloc (09022015). Collection method: clinical testing. Allele origin: germline.

Color Diagnostics, LLC DBA Color Health
Classification: Likely benign for Malignant hyperthermia, susceptibility to, 5. Last evaluated: 2024-11-25. Review status: criteria provided, single submitter. Criteria: ACMG Guidelines, 2015. Collection method: clinical testing. Allele origin: germline.

All of Us Research Program, National Institutes of Health
Classification: Uncertain significance for Malignant hyperthermia, susceptibility to, 5. Last evaluated: 2023-10-02. Review status: criteria provided, single submitter. Criteria: ACMG Guidelines, 2015. Collection method: clinical testing. Allele origin: germline. Inheritance: Autosomal dominant inheritance. Observed: 5 variant alleles, 5 heterozygotes.
Comment: This variant is located in the CACNA1S protein. To our knowledge, functional studies have not been reported for this variant. This variant has not been reported in individuals affected with CACNA1S-related disorders in the literature. This variant has been identified in 6/282586 chromosomes in the general population by the Genome Aggregation Database (gnomAD). The available evidence is insufficient to determine the role of this variant in disease conclusively. Therefore, this variant is classified as a Variant of Uncertain Significance.

This study involves interpretation of variants in research participants for the purpose of population health screening. Participant phenotype was not available at the time of variant classification. Additional details can be found in publication PMID: 35346344, PMCID: PMC8962531

CeGaT Center for Human Genetics Tuebingen
Classification: Likely benign. Last evaluated: 2023-10-01. Review status: criteria provided, single submitter. Criteria: CeGaT Center For Human Genetics Tuebingen Variant Classification Criteria Version 2. Collection method: clinical testing. Allele origin: germline. Affected: yes. Observed: 1 variant allele.
Comment: CACNA1S: BP4, BP7

Genome-Nilou Lab
Classification: Likely benign for Malignant hyperthermia, susceptibility to, 5. Last evaluated: 2023-04-11. Review status: criteria provided, single submitter. Criteria: ACMG Guidelines, 2015. Collection method: clinical testing. Allele origin: germline. Affected: no.

Genome-Nilou Lab
Classification: Likely benign for Thyrotoxic periodic paralysis, susceptibility to, 1. Last evaluated: 2023-04-11. Review status: criteria provided, single submitter. Criteria: ACMG Guidelines, 2015. Collection method: clinical testing. Allele origin: germline. Affected: no.

Genome-Nilou Lab
Classification: Likely benign for Congenital myopathy 18. Last evaluated: 2023-04-11. Review status: criteria provided, single submitter. Criteria: ACMG Guidelines, 2015. Collection method: clinical testing. Allele origin: germline. Affected: no.

Genome-Nilou Lab
Classification: Likely benign for Hypokalemic periodic paralysis, type 1. Last evaluated: 2023-04-11. Review status: criteria provided, single submitter. Criteria: ACMG Guidelines, 2015. Collection method: clinical testing. Allele origin: germline. Affected: no.

Fulgent Genetics
Classification: Likely benign for Hypokalemic periodic paralysis, type 1; Thyrotoxic periodic paralysis, susceptibility to, 1; Malignant hyperthermia, susceptibility to, 5. Last evaluated: 2022-04-16. Review status: criteria provided, single submitter. Criteria: ACMG Guidelines, 2015. Collection method: clinical testing. Allele origin: unknown.

NM_000069.3(CACNA1S):c.2838C>T (p.Gly946=)

Gene: CACNA1S (calcium voltage-gated channel subunit alpha1 S; minus strand). Cytogenetic location: 1q32.1.
Variant type: single nucleotide variant.
Coding change: c.2838C>T on transcript NM_000069.3 (MANE Select); coding-DNA position 2838, C replaced by T.
Protein change: p.Gly946=; no amino-acid change (glycine 946 retained).
Molecular consequence: synonymous variant.
Genome position (GRCh38, 1-based): chr1:201,065,853, G>A on the plus strand (C>T on the coding strand, the complement: CACNA1S is on the minus strand). VCF-style: chr1-201065853-G-A. GRCh37 (hg19) VCF-style: chr1-201034981-G-A.
Identifiers: ClinVar variation 715296 (VCV000715296.38), dbSNP rs759934490, ClinGen allele CA422686681.